The following is an entry in ClinVar:

NM_000271.5(NPC1):c.2671_2680del (p.Phe891fs)

Gene: NPC1 (NPC intracellular cholesterol transporter 1; minus strand). Cytogenetic location: 18q11.2.
Variant type: Deletion.
Coding change: c.2671_2680del on transcript NM_000271.5 (MANE Select); coding-DNA positions 2671 to 2680, 10 bases deleted (TTTGTCCTGG; older notation c.2671_2680delTTTGTCCTGG).
Protein change: p.Phe891fs; shifts the reading frame from phenylalanine 891.
Molecular consequence: frameshift variant.
Genome position (GRCh38, 1-based): chr18:23,539,926-23,539,935, CCAGGACAAA deleted on the plus strand (TTTGTCCTGG on the coding strand, the reverse complement: NPC1 is on the minus strand). VCF-style (leftmost placement, unchanged base first): chr18-23539925-TCCAGGACAAA-T. GRCh37 (hg19) VCF-style: chr18-21119889-TCCAGGACAAA-T.
Other names: short protein forms F891fs.
Identifiers: ClinVar variation 5011479 (VCV005011479.1).

ClinVar aggregate classification (germline): Pathogenic (1 of 4 stars; one submission).

Conditions:
Niemann-Pick disease, type C1. Also called: NEUROVISCERAL STORAGE DISEASE WITH VERTICAL SUPRANUCLEAR OPHTHALMOPLEGIA; NIEMANN-PICK DISEASE WITH CHOLESTEROL ESTERIFICATION BLOCK; NIEMANN-PICK DISEASE WITHOUT SPHINGOMYELINASE DEFICIENCY; NIEMANN-PICK DISEASE, CHRONIC NEURONOPATHIC FORM; NIEMANN-PICK DISEASE, VARIANT TYPE C1. Identifiers: Orphanet 646, MedGen C3179455, MONDO:0009757, OMIM 257220.

Submission:

Myriad Genetics, Inc.
Classification: Pathogenic for Niemann-Pick disease, type C1. Last evaluated: 2023-08-27. Review status: criteria provided, single submitter. Criteria: Myriad Autosomal Dominant, Autosomal Recessive and X-Linked Classification Criteria (2023). Collection method: clinical testing. Allele origin: unknown.
Comment: NM_000271.4(NPC1):c.2671_2680del10(F891Rfs*42) is expected to be pathogenic in the context of Niemann-Pick disease type C1. This variant is predicted to lead to an abnormal or absent protein product due to the creation of a premature termination codon in NPC1, a gene where loss-of-function variants are known to be pathogenic. Please note: this variant was assessed in the context of healthy population screening.